The following is an entry in ClinVar:

ClinVar aggregate classification (germline): Uncertain significance (1 of 4 stars; one submission).

Submission:

GeneDx
Classification: Uncertain significance. Last evaluated: 2023-05-19. Review status: criteria provided, single submitter. Criteria: GeneDx Variant Classification Process June 2021. Collection method: clinical testing. Allele origin: germline. Affected: yes.
Comment: Not observed at significant frequency in large population cohorts (gnomAD); In silico analysis supports that this missense variant has a deleterious effect on protein structure/function; Has not been previously published as pathogenic or benign to our knowledge

NM_007118.4(TRIO):c.4648G>C (p.Gly1550Arg)

Genes: TRIO (trio Rho guanine nucleotide exchange factor; plus strand), LOC126807321 (BRD4-independent group 4 enhancer GRCh37_chr5:14399912-14401111; plus strand). Cytogenetic location: 5p15.2.
Variant type: single nucleotide variant.
Coding change: c.4648G>C on transcript NM_007118.4 (MANE Select); coding-DNA position 4648, G replaced by C.
Protein change: p.Gly1550Arg; replaces glycine 1550 with arginine.
Molecular consequence: missense variant. On other transcripts: non-coding transcript variant (1).
Genome position (GRCh38, 1-based): chr5:14,400,996, G>C. VCF-style: chr5-14400996-G-C. GRCh37 (hg19) VCF-style: chr5-14401105-G-C.
Other names: short protein forms G1550R.
Identifiers: ClinVar variation 3343671 (VCV003343671.1).